The following is an entry in ClinVar:

ClinVar aggregate classification (germline): Uncertain significance. Review status: criteria provided, multiple submitters, no conflicts (2 of 4 stars). 2 submissions from 2 submitters: Uncertain significance (2). Last evaluated 2025-02-19.

Conditions:
POLD1-related polyposis and colorectal cancer syndrome (CRCS10). Also called: Colorectal cancer, susceptibility to, 10; Colorectal cancer 10; COLORECTAL CANCER, SUSCEPTIBILITY TO, ON CHROMOSOME 19q. Identifiers: Orphanet 220460, MedGen C2675481, MONDO:0012953, OMIM 612591.
Hereditary cancer-predisposing syndrome. Also called: Tumor predisposition; Hereditary Cancer Syndrome; Hereditary neoplastic syndrome; Neoplastic Syndromes, Hereditary. Identifiers: Orphanet 140162, MedGen C0027672, MeSH D009386, MONDO:0015356.

Submissions (2):

Ambry Genetics
Classification: Uncertain significance for Hereditary cancer-predisposing syndrome. Last evaluated: 2025-02-19. Review status: criteria provided, single submitter. Criteria: Ambry Variant Classification Scheme 2023. Collection method: clinical testing. Allele origin: germline.
Comment: The c.2954-1_2954insT variant, located in coding exon 23 of the POLD1 gene, results from an insertion of one nucleotide at position 2954, causing a translational frameshift with a predicted alternate stop codon (p.R985Lfs*43). This alteration is expected to result in loss of function by premature protein truncation or nonsense-mediated mRNA decay. However, loss of function via haploinsufficiency in POLD1 has not been clearly established as a mechanism of disease. Since supporting evidence is limited at this time, the clinical significance of this alteration remains unclear.

Labcorp Genetics (formerly Invitae), Labcorp
Classification: Uncertain significance for POLD1-related polyposis and colorectal cancer syndrome. Last evaluated: 2021-07-17. Review status: criteria provided, single submitter. Criteria: Invitae Variant Classification Sherloc (09022015). Collection method: clinical testing. Allele origin: germline.
Comment: In summary, the available evidence is currently insufficient to determine the role of this variant in disease. Therefore, it has been classified as a Variant of Uncertain Significance. Algorithms developed to predict the effect of sequence changes on RNA splicing suggest that this variant may disrupt the consensus splice site. This variant has not been reported in the literature in individuals affected with POLD1-related conditions. The frequency data for this variant in the population databases is considered unreliable, as metrics indicate insufficient coverage at this position in the ExAC database. This sequence change creates a premature translational stop signal (p.Arg985Leufs*43) in the POLD1 gene. Missense variants that disrupt the 3'-5' exonuclease (proof-reading) activity of the POLD1 protein are associated with an increased risk for colonic adenomatous polyps and colon cancer (PMID: 23263490, 23447401). However, loss-of-function variants that result in an absent or severely disrupted POLD1 protein, and missense variants outside the exonuclease domain, are unlikely to be associated with polyposis or colon cancer.

Literature cited by the submitters: PubMed 23263490 (cited by Labcorp Genetics (formerly Invitae), Labcorp); PubMed 23447401 (cited by Labcorp Genetics (formerly Invitae), Labcorp).

NM_002691.4(POLD1):c.2953_2954insT (p.Arg985fs)

Gene: POLD1 (DNA polymerase delta 1, catalytic subunit; plus strand). Cytogenetic location: 19q13.33.
Variant type: Insertion.
Coding change: c.2953_2954insT on transcript NM_002691.4 (MANE Select); coding-DNA positions 2953 to 2954, T inserted.
Protein change: p.Arg985fs; shifts the reading frame from arginine 985.
Molecular consequence: frameshift variant. On other transcripts: non-coding transcript variant (1).
Genome position: GRCh38 VCF-style: chr19-50416609-G-GT. GRCh37 (hg19) VCF-style: chr19-50919866-G-GT.
Other names: c.2953_2954insT, p.Arg985fs (NM_001256849.1); c.3031_3032insT, p.Arg1011fs (NM_001308632.1); c.2954-1_2954insT (NM_002691.2); short protein forms R1011fs, R985fs.
Identifiers: ClinVar variation 1368134 (VCV001368134.7), dbSNP rs2122495174, ClinGen allele CA2573156760.
Genomic context (GRCh38, chr19:50,416,609, plus strand): 5'-TGGGGGCACCCTGGGGGGGCAGAGGAGATCACCGGCCCACCACCTGCCTCCTCTCCTGCA[G>GT]GGGGGGACCACACGCGCTGCAAGACGGTGCTCACGGGCAAGGTGGGCGGCCTCCTGGCCT-3'